The following is an entry in ClinVar:

ClinVar aggregate classification (germline): Uncertain significance (1 of 4 stars; one submission).

Submission:

GeneDx
Classification: Uncertain significance. Last evaluated: 2025-12-05. Review status: criteria provided, single submitter. Criteria: GeneDx Variant Classification Process June 2021. Collection method: clinical testing. Allele origin: germline. Affected: yes.
Comment: Not observed at significant frequency in large population cohorts (gnomAD); In silico analysis supports that this missense variant has a deleterious effect on protein structure/function; Has not been previously published as pathogenic or benign to our knowledge

NM_032634.4(PIGO):c.2826C>G (p.Asn942Lys)

Gene: PIGO (phosphatidylinositol glycan anchor biosynthesis class O; minus strand). Cytogenetic location: 9p13.3.
Variant type: single nucleotide variant.
Coding change: c.2826C>G on transcript NM_032634.4 (MANE Select); coding-DNA position 2826, C replaced by G.
Protein change: p.Asn942Lys; replaces asparagine 942 with lysine.
Molecular consequence: missense variant.
Genome position (GRCh38, 1-based): chr9:35,090,494, G>C on the plus strand (C>G on the coding strand, the complement: PIGO is on the minus strand). VCF-style: chr9-35090494-G-C. GRCh37 (hg19) VCF-style: chr9-35090491-G-C.
Other names: c.1575C>G, p.Asn525Lys (NM_001201484.2, NM_152850.4); short protein forms N525K, N942K.
Identifiers: ClinVar variation 3371278 (VCV003371278.2).